The following is an entry in ClinVar:

NM_000264.5(PTCH1):c.3889C>G (p.Arg1297Gly)

Gene: PTCH1 (patched 1; minus strand). Cytogenetic location: 9q22.32.
Variant type: single nucleotide variant.
Coding change: c.3889C>G on transcript NM_000264.5 (MANE Select); coding-DNA position 3889, C replaced by G.
Protein change: p.Arg1297Gly; replaces arginine 1297 with glycine.
Molecular consequence: missense variant. On other transcripts: non-coding transcript variant (1).
Genome position (GRCh38, 1-based): chr9:95,447,367, G>C on the plus strand (C>G on the coding strand, the complement: PTCH1 is on the minus strand). VCF-style: chr9-95447367-G-C. GRCh37 (hg19) VCF-style: chr9-98209649-G-C.
Other names: c.3691C>G, p.Arg1231Gly (NM_001083602.3); c.3886C>G, p.Arg1296Gly (NM_001083603.3); c.3436C>G, p.Arg1146Gly (NM_001083604.3, NM_001083605.3, NM_001083606.3 and 1 more transcripts); c.3733C>G, p.Arg1245Gly (NM_001354918.2); short protein forms R1146G, R1231G, R1245G, R1296G, R1297G.
Identifiers: ClinVar variation 3361986 (VCV003361986.1).

ClinVar aggregate classification (germline): Uncertain significance (1 of 4 stars; one submission).

gnomAD v4.1: 1 of 1,613,118 alleles (0.000062%); highest among the groups gnomAD compares: Admixed American, 0.0017%; no homozygotes.

Submission:

GeneDx
Classification: Uncertain significance. Last evaluated: 2023-05-22. Review status: criteria provided, single submitter. Criteria: GeneDx Variant Classification Process June 2021. Collection method: clinical testing. Allele origin: germline. Affected: yes.
Comment: Not observed at significant frequency in large population cohorts (gnomAD); In silico analysis supports that this missense variant does not alter protein structure/function; Has not been previously published as pathogenic or benign to our knowledge